The following is an entry in ClinVar:

ClinVar aggregate classification (germline): Uncertain significance (1 of 4 stars; one submission).

Allele frequency attached by ClinVar (database versions not stated): gnomAD exomes below 0.00001; ExAC 0.00001.
gnomAD v4.1: 1 of 1,211,074 alleles (0.000083%); highest among the groups gnomAD compares: Non-Finnish European, 0.00011%; no homozygotes.

Submission:

Labcorp Genetics (formerly Invitae), Labcorp
Classification: Uncertain significance. Last evaluated: 2022-06-13. Review status: criteria provided, single submitter. Criteria: Invitae Variant Classification Sherloc (09022015). Collection method: clinical testing. Allele origin: germline.
Comment: In summary, the available evidence is currently insufficient to determine the role of this variant in disease. Therefore, it has been classified as a Variant of Uncertain Significance. Algorithms developed to predict the effect of missense changes on protein structure and function output the following: SIFT: "Tolerated"; PolyPhen-2: "Benign"; Align-GVGD: "Class C0". The arginine amino acid residue is found in multiple mammalian species, which suggests that this missense change does not adversely affect protein function. This variant has not been reported in the literature in individuals affected with DRP2-related conditions. This variant is present in population databases (rs747873353, gnomAD 0.001%). This sequence change replaces glutamine, which is neutral and polar, with arginine, which is basic and polar, at codon 896 of the DRP2 protein (p.Gln896Arg).

NM_001939.3(DRP2):c.2687A>G (p.Gln896Arg)

Gene: DRP2 (dystrophin related protein 2; plus strand). Cytogenetic location: Xq22.1.
Variant type: single nucleotide variant.
Coding change: c.2687A>G on transcript NM_001939.3 (MANE Select); coding-DNA position 2687, A replaced by G.
Protein change: p.Gln896Arg; replaces glutamine 896 with arginine.
Molecular consequence: missense variant.
Genome position (GRCh38, 1-based): chrX:101,260,107, A>G. VCF-style: chrX-101260107-A-G. GRCh37 (hg19) VCF-style: chrX-100515096-A-G.
Other names: c.2453A>G, p.Gln818Arg (NM_001171184.2); short protein forms Q818R, Q896R.
Identifiers: ClinVar variation 1922721 (VCV001922721.5), dbSNP rs747873353, ClinGen allele CA10472514.